The following is an entry in ClinVar:

ClinVar aggregate classification (germline): Uncertain significance (1 of 4 stars; one submission).

Conditions:
Charcot-Marie-Tooth disease type 4. Also called: Charcot-Marie-Tooth disease, type IV; Charcot-Marie-Tooth, Type 4. Identifiers: Orphanet 64749, MedGen C4082197, MONDO:0018995.

Allele frequency attached by ClinVar (database versions not stated): gnomAD 0.00001; ExAC 0.00002.
gnomAD v4.1: 7 of 1,614,034 alleles (0.00043%); highest among the groups gnomAD compares: South Asian, 0.0011%; no homozygotes.

Submission:

Labcorp Genetics (formerly Invitae), Labcorp
Classification: Uncertain significance for Charcot-Marie-Tooth disease type 4. Last evaluated: 2023-03-30. Review status: criteria provided, single submitter. Criteria: Invitae Variant Classification Sherloc (09022015). Collection method: clinical testing. Allele origin: germline.
Comment: This sequence change replaces leucine, which is neutral and non-polar, with phenylalanine, which is neutral and non-polar, at codon 1149 of the SBF2 protein (p.Leu1149Phe). ClinVar contains an entry for this variant (Variation ID: 1035267). Advanced modeling of protein sequence and biophysical properties (such as structural, functional, and spatial information, amino acid conservation, physicochemical variation, residue mobility, and thermodynamic stability) performed at Invitae indicates that this missense variant is not expected to disrupt SBF2 protein function. In summary, the available evidence is currently insufficient to determine the role of this variant in disease. Therefore, it has been classified as a Variant of Uncertain Significance. This variant is present in population databases (rs766709811, gnomAD 0.003%). This variant has not been reported in the literature in individuals affected with SBF2-related conditions.

NM_030962.4(SBF2):c.3445C>T (p.Leu1149Phe)

Genes: SBF2 (SET binding factor 2; minus strand), LOC101928008 (uncharacterized LOC101928008; plus strand). Cytogenetic location: 11p15.4.
Variant type: single nucleotide variant.
Coding change: c.3445C>T on transcript NM_030962.4 (MANE Select); coding-DNA position 3445, C replaced by T.
Protein change: p.Leu1149Phe; replaces leucine 1149 with phenylalanine.
Molecular consequence: missense variant.
Genome position (GRCh38, 1-based): chr11:9,839,508, G>A on the plus strand (C>T on the coding strand, the complement: SBF2 is on the minus strand). VCF-style: chr11-9839508-G-A. GRCh37 (hg19) VCF-style: chr11-9861055-G-A.
Other names: c.3445C>T, p.Leu1149Phe (NM_001386339.1); c.3316C>T, p.Leu1106Phe (NM_001386342.1); short protein forms L1106F, L1149F.
Identifiers: ClinVar variation 1035267 (VCV001035267.10), dbSNP rs766709811, ClinGen allele CA5881284.